The following is an entry in ClinVar:

ClinVar aggregate classification (germline): Uncertain significance (1 of 4 stars; one submission).

Submission:

Women's Health and Genetics/Laboratory Corporation of America, LabCorp
Classification: Uncertain significance. Last evaluated: 2023-11-06. Review status: criteria provided, single submitter. Criteria: LabCorp Variant Classification Summary - May 2015. Collection method: clinical testing. Allele origin: germline.
Comment: Variant summary: FBN1 c.3800A>G (p.Asp1267Gly) results in a non-conservative amino acid change located in the EGF-like domain of the encoded protein sequence. Four of five in-silico tools predict a damaging effect of the variant on protein function. The variant was absent in 251150 control chromosomes. The available data on variant occurrences in the general population are insufficient to allow any conclusion about variant significance. To our knowledge, no occurrence of c.3800A>G in individuals affected with Marfan Syndrome and no experimental evidence demonstrating its impact on protein function have been reported. No submitters have cited clinical-significance assessments for this variant to ClinVar after 2014. Based on the evidence outlined above, the variant was classified as uncertain significance.

NM_000138.5(FBN1):c.3800A>G (p.Asp1267Gly)

Gene: FBN1 (fibrillin 1; minus strand). Cytogenetic location: 15q21.1.
Variant type: single nucleotide variant.
Coding change: c.3800A>G on transcript NM_000138.5 (MANE Select); coding-DNA position 3800, A replaced by G.
Protein change: p.Asp1267Gly; replaces aspartic acid 1267 with glycine.
Molecular consequence: missense variant.
Genome position (GRCh38, 1-based): chr15:48,483,856, T>C on the plus strand (A>G on the coding strand, the complement: FBN1 is on the minus strand). VCF-style: chr15-48483856-T-C. GRCh37 (hg19) VCF-style: chr15-48776053-T-C.
Other names: c.3800A>G, p.Asp1267Gly (NM_001406716.1); short protein forms D1267G.
Identifiers: ClinVar variation 2682337 (VCV002682337.1), dbSNP rs2505540799, ClinGen allele CA392323755.